The following is an entry in ClinVar:

ClinVar aggregate classification (germline): Uncertain significance (1 of 4 stars; one submission).

Submission:

Ambry Genetics
Classification: Uncertain significance. Last evaluated: 2025-08-30. Review status: criteria provided, single submitter. Criteria: Ambry Variant Classification Scheme 2023. Collection method: clinical testing. Allele origin: germline.
Comment: The p.R752L variant (also known as c.2255G>T), located in coding exon 13 of the PKP4 gene, results from a G to T substitution at nucleotide position 2255. The arginine at codon 752 is replaced by leucine, an amino acid with dissimilar properties. This amino acid position is conserved. In addition, this alteration is predicted to be deleterious by in silico analysis. Based on the available evidence, the clinical significance of this variant remains unclear.

NM_003628.6(PKP4):c.2255G>T (p.Arg752Leu)

Genes: PKP4 (plakophilin 4; plus strand), PKP4-AS1 (PKP4 antisense RNA 1; minus strand). Cytogenetic location: 2q24.1.
Variant type: single nucleotide variant.
Coding change: c.2255G>T on transcript NM_003628.6 (MANE Select); coding-DNA position 2255, G replaced by T.
Protein change: p.Arg752Leu; replaces arginine 752 with leucine.
Molecular consequence: missense variant.
Genome position (GRCh38, 1-based): chr2:158,662,940, G>T. VCF-style: chr2-158662940-G-T. GRCh37 (hg19) VCF-style: chr2-159519452-G-T.
Other names: c.2255G>T, p.Arg752Leu (NM_001005476.4, NM_001304971.2, NM_001377218.1 and 1 more transcripts); c.2252G>T, p.Arg751Leu (NM_001304969.3, NM_001377219.1, NM_001377220.1 and 2 more transcripts); c.1226G>T, p.Arg409Leu (NM_001304970.3); c.2249G>T, p.Arg750Leu (NM_001377222.1, NM_001377223.1); c.2246G>T, p.Arg749Leu (NM_001377224.1); short protein forms R749L, R750L, R751L, R752L, R409L.
Identifiers: ClinVar variation 4138163 (VCV004138163.1).